The following is an entry in ClinVar:

ClinVar aggregate classification (germline): Conflicting classifications of pathogenicity. Review status: criteria provided, conflicting classifications (1 of 4 stars). 7 submissions from 7 submitters: Uncertain significance (6); Likely benign (1). Last evaluated 2026-09-26.

Conditions:
COL1A1-related disorder. Also called: COL1A1- related disease; COL1A1-related condition.
Osteogenesis imperfecta type I (OI1). Also called: OI, TYPE I; Lobstein disease; OSTEOGENESIS IMPERFECTA TARDA; OSTEOGENESIS IMPERFECTA WITH BLUE SCLERAE; Osteogenesis imperfecta type 1; Lobstein's Disease. Identifiers: Orphanet 216796, Orphanet 666, MedGen C0023931, MONDO:0008146, OMIM 166200. Disease mechanism: loss of function.
Cardiovascular phenotype. Identifiers: MedGen CN230736.

Allele frequency attached by ClinVar (database versions not stated): gnomAD exomes 0.00001; gnomAD 0.00003 and 0.00004; TOPMed 0.00003.
gnomAD v4.1: 20 of 1,614,110 alleles (0.0012%); highest among the groups gnomAD compares: African/African-American, 0.004%; no homozygotes.

Submissions (7):

PreventionGenetics, part of Exact Sciences
Classification: Uncertain significance for COL1A1-related condition. Last evaluated: 2026-09-26. Review status: criteria provided, single submitter. Criteria: ACMG Guidelines, 2015. Collection method: clinical testing. Allele origin: germline.
Comment: The COL1A1 c.3944G>T variant is predicted to result in the amino acid substitution p.Ser1315Ile. To our knowledge, this variant has not been reported in the literature. This variant is reported in 0.0023% of alleles in individuals of European (Non-Finnish) descent in gnomAD. At this time, the clinical significance of this variant is uncertain due to the absence of conclusive functional and genetic evidence.

Ambry Genetics
Classification: Uncertain significance for Cardiovascular phenotype. Last evaluated: 2026-06-24. Review status: criteria provided, single submitter. Criteria: Ambry Variant Classification Scheme 2023. Collection method: clinical testing. Allele origin: germline.

Women's Health and Genetics/Laboratory Corporation of America, LabCorp
Classification: Uncertain significance. Last evaluated: 2026-06-15. Review status: criteria provided, single submitter. Criteria: LabCorp Variant Classification Summary - May 2015. Collection method: clinical testing. Allele origin: germline.
Comment: Variant summary: COL1A1 c.3944G>T (p.Ser1315Ile) results in a non-conservative amino acid change in the encoded protein sequence. Algorithms developed to predict the effect of missense changes on protein structure and function are either unavailable or do not agree on the potential impact of this missense change. The variant allele was found at a frequency of 8e-06 in 251490 control chromosomes. The available data on variant occurrences in the general population are insufficient to allow any conclusion about variant significance. c.3944G>T has been observed in individual(s) affected with Ehlers-Danlos syndrome (Venable_2023). These report(s) do not provide unequivocal conclusions about association of the variant with disease. To our knowledge, no experimental evidence demonstrating an impact on protein function has been reported. The following publication has been ascertained in the context of this evaluation (PMID: 36896471). ClinVar contains an entry for this variant (Variation ID: 593325). Based on the evidence outlined above, the variant was classified as uncertain significance.

Labcorp Genetics (formerly Invitae), Labcorp
Classification: Likely benign for Osteogenesis imperfecta type I. Last evaluated: 2026-01-25. Review status: criteria provided, single submitter. Criteria: Invitae Variant Classification Sherloc (09022015). Collection method: clinical testing. Allele origin: germline.

GeneDx
Classification: Uncertain significance. Last evaluated: 2024-09-24. Review status: criteria provided, single submitter. Criteria: GeneDx Variant Classification Process June 2021. Collection method: clinical testing. Allele origin: germline.
Comment: Has not been previously published as pathogenic or benign to our knowledge; Not observed at significant frequency in large population cohorts (gnomAD); Not located in the triple helical region, where the majority of pathogenic missense variants occur (HGMD); In silico analysis supports that this missense variant has a deleterious effect on protein structure/function

Mayo Clinic Laboratories, Mayo Clinic
Classification: Uncertain significance. Last evaluated: 2019-04-15. Review status: criteria provided, single submitter. Criteria: ACMG Guidelines, 2015. Collection method: clinical testing. Allele origin: germline. Observed: 1 variant allele.

Eurofins Ntd Llc (ga)
Classification: Uncertain significance. Last evaluated: 2017-07-26. Review status: criteria provided, single submitter. Criteria: EGL Classification Definitions 2015. Collection method: clinical testing. Allele origin: germline. Observed: 2 variant alleles, 2 heterozygotes.

Literature cited by the submitters: PubMed 36896471 (cited by Women's Health and Genetics/Laboratory Corporation of America, LabCorp).

NM_000088.4(COL1A1):c.3944G>T (p.Ser1315Ile)

Gene: COL1A1 (collagen type I alpha 1 chain; minus strand). Cytogenetic location: 17q21.33.
Variant type: single nucleotide variant.
Coding change: c.3944G>T on transcript NM_000088.4 (MANE Select); coding-DNA position 3944, G replaced by T.
Protein change: p.Ser1315Ile; replaces serine 1315 with isoleucine.
Molecular consequence: missense variant.
Genome position (GRCh38, 1-based): chr17:50,186,378, C>A on the plus strand (G>T on the coding strand, the complement: COL1A1 is on the minus strand). VCF-style: chr17-50186378-C-A. GRCh37 (hg19) VCF-style: chr17-48263739-C-A.
Other names: short protein forms S1315I.
Identifiers: ClinVar variation 593325 (VCV000593325.22), dbSNP rs1391247648, ClinGen allele CA400193327.